The following is an entry in ClinVar:

NM_004370.6(COL12A1):c.1990A>G (p.Ile664Val)

Gene: COL12A1 (collagen type XII alpha 1 chain; minus strand). Cytogenetic location: 6q13.
Variant type: single nucleotide variant.
Coding change: c.1990A>G on transcript NM_004370.6 (MANE Select); coding-DNA position 1990, A replaced by G.
Protein change: p.Ile664Val; replaces isoleucine 664 with valine.
Molecular consequence: missense variant. On other transcripts: intron variant (1).
Genome position (GRCh38, 1-based): chr6:75,181,113, T>C on the plus strand (A>G on the coding strand, the complement: COL12A1 is on the minus strand). VCF-style: chr6-75181113-T-C. GRCh37 (hg19) VCF-style: chr6-75890829-T-C.
Other names: c.73+21607A>G (NM_080645.3); short protein forms I664V.
Identifiers: ClinVar variation 958671 (VCV000958671.10), dbSNP rs1769258112, ClinGen allele CA364767282.

ClinVar aggregate classification (germline): Uncertain significance (1 of 4 stars; one submission).

Conditions:
Ullrich congenital muscular dystrophy 2 (UCMD2). Identifiers: Orphanet 75840, MedGen C4225314, MONDO:0014654, OMIM 616470.
Bethlem myopathy 2 (BTHLM2). Identifiers: Orphanet 536516, Orphanet 610, MedGen C4225313, MONDO:0034022, OMIM 616471.

Submission:

Labcorp Genetics (formerly Invitae), Labcorp
Classification: Uncertain significance for Bethlem myopathy 2; Ullrich congenital muscular dystrophy 2. Last evaluated: 2019-08-24. Review status: criteria provided, single submitter. Criteria: Invitae Variant Classification Sherloc (09022015). Collection method: clinical testing. Allele origin: germline.
Comment: In summary, the available evidence is currently insufficient to determine the role of this variant in disease. Therefore, it has been classified as a Variant of Uncertain Significance. Algorithms developed to predict the effect of missense changes on protein structure and function output the following: SIFT: "Tolerated"; PolyPhen-2: "Benign"; Align-GVGD: "Class C0". The valine amino acid residue is found in multiple mammalian species, suggesting that this missense change does not adversely affect protein function. These predictions have not been confirmed by published functional studies and their clinical significance is uncertain. This variant has not been reported in the literature in individuals with COL12A1-related conditions. This variant is not present in population databases (ExAC no frequency). This sequence change replaces isoleucine with valine at codon 664 of the COL12A1 protein (p.Ile664Val). The isoleucine residue is moderately conserved and there is a small physicochemical difference between isoleucine and valine.